The following is an entry in ClinVar:

NM_001378969.1(KCND3):c.1561A>G (p.Met521Val)

Gene: KCND3 (potassium voltage-gated channel subfamily D member 3; minus strand). Cytogenetic location: 1p13.2.
Variant type: single nucleotide variant.
Coding change: c.1561A>G on transcript NM_001378969.1 (MANE Select); coding-DNA position 1561, A replaced by G.
Protein change: p.Met521Val; replaces methionine 521 with valine.
Molecular consequence: missense variant.
Genome position (GRCh38, 1-based): chr1:111,777,231, T>C on the plus strand (A>G on the coding strand, the complement: KCND3 is on the minus strand). VCF-style: chr1-111777231-T-C. GRCh37 (hg19) VCF-style: chr1-112319853-T-C.
Other names: c.1504A>G, p.Met502Val (NM_001378970.1, NM_172198.3); c.1561A>G, p.Met521Val (NM_004980.5); short protein forms M521V, M502V.
Identifiers: ClinVar variation 1775269 (VCV001775269.2), dbSNP rs768952584, ClinGen allele CA1007386.

ClinVar aggregate classification (germline): Uncertain significance (1 of 4 stars; one submission).

Conditions:
Cardiovascular phenotype. Identifiers: MedGen CN230736.

Allele frequency attached by ClinVar (database versions not stated): gnomAD exomes below 0.00001; ExAC 0.00001.
gnomAD v4.1: 2 of 1,614,198 alleles (0.00012%); no homozygotes.

Submission:

Ambry Genetics
Classification: Uncertain significance for Cardiovascular phenotype. Last evaluated: 2020-06-12. Review status: criteria provided, single submitter. Criteria: Ambry Variant Classification Scheme 2023. Collection method: clinical testing. Allele origin: germline.
Comment: The p.M521V variant (also known as c.1561A>G), located in coding exon 6 of the KCND3 gene, results from an A to G substitution at nucleotide position 1561. The methionine at codon 521 is replaced by valine, an amino acid with highly similar properties. This amino acid position is not well conserved in available vertebrate species. In addition, this alteration is predicted to be tolerated by in silico analysis. Since supporting evidence is limited at this time, the clinical significance of this alteration remains unclear.